The following is an entry in ClinVar:

NM_001349253.2(SCN11A):c.1435_1436delinsAA (p.Pro479Asn)

Gene: SCN11A (sodium voltage-gated channel alpha subunit 11; minus strand). Cytogenetic location: 3p22.2.
Variant type: Indel.
Coding change: c.1435_1436delinsAA on transcript NM_001349253.2 (MANE Select); coding-DNA positions 1435 to 1436, CC replaced by AA.
Protein change: p.Pro479Asn; replaces proline 479 with asparagine.
Molecular consequence: missense variant.
Genome position (GRCh38, 1-based): chr3:38,907,986-38,907,987, GG replaced by TT on the plus strand (CC replaced by AA on the coding strand, the reverse complement: SCN11A is on the minus strand). VCF-style: chr3-38907986-GG-TT. GRCh37 (hg19) VCF-style: chr3-38949477-GG-TT.
Other names: c.1435_1436delinsAA, p.Pro479Asn (NM_014139.3); short protein forms P479N.
Identifiers: ClinVar variation 3754364 (VCV003754364.2).

ClinVar aggregate classification (germline): Uncertain significance (1 of 4 stars; one submission).

Conditions:
Hereditary sensory and autonomic neuropathy type 7. Also called: HSAN VII; Neuropathy, hereditary sensory and autonomic, type VII. Identifiers: Orphanet 391397, MedGen C3809882, MONDO:0014244, OMIM 615548.
Familial episodic pain syndrome with predominantly lower limb involvement. Also called: Episodic pain syndrome, familial, 3. Identifiers: Orphanet 391384, Orphanet 391392, MedGen C3809899, MONDO:0014247, OMIM 615552.

Submission:

Labcorp Genetics (formerly Invitae), Labcorp
Classification: Uncertain significance for Familial episodic pain syndrome with predominantly lower limb involvement; Hereditary sensory and autonomic neuropathy type 7. Last evaluated: 2024-02-02. Review status: criteria provided, single submitter. Criteria: Invitae Variant Classification Sherloc (09022015). Collection method: clinical testing. Allele origin: germline.
Comment: This sequence change replaces proline, which is neutral and non-polar, with asparagine, which is neutral and polar, at codon 479 of the SCN11A protein (p.Pro479Asn). Information on the frequency of this variant in the gnomAD database is not available, as this variant may be reported differently in the database. This variant has not been reported in the literature in individuals affected with SCN11A-related conditions. An algorithm developed to predict the effect of missense changes on protein structure and function (PolyPhen-2) suggests that this variant is likely to be tolerated. In summary, the available evidence is currently insufficient to determine the role of this variant in disease. Therefore, it has been classified as a Variant of Uncertain Significance.